The following is an entry in ClinVar:

ClinVar aggregate classification (germline): Uncertain significance (1 of 4 stars; one submission).

Allele frequency attached by ClinVar (database versions not stated): gnomAD exomes below 0.00001; TOPMed below 0.00001; gnomAD 0.00001.
gnomAD v4.1: 6 of 1,612,640 alleles (0.00037%); highest among the groups gnomAD compares: Non-Finnish European, 0.00051%; no homozygotes.

Submission:

Mayo Clinic Laboratories, Mayo Clinic
Classification: Uncertain significance. Last evaluated: 2023-06-13. Review status: criteria provided, single submitter. Criteria: ACMG Guidelines, 2015. Collection method: clinical testing. Allele origin: germline. Observed: 1 variant allele.
Comment: PM2_supporting

NM_001267550.2(TTN):c.64118T>C (p.Leu21373Ser)

Genes: TTN (titin; minus strand), TTN-AS1 (TTN antisense RNA 1; plus strand). Cytogenetic location: 2q31.2.
Variant type: single nucleotide variant.
Coding change: c.64118T>C on transcript NM_001267550.2 (MANE Select); coding-DNA position 64118, T replaced by C.
Protein change: p.Leu21373Ser; replaces leucine 21373 with serine.
Molecular consequence: missense variant.
Genome position (GRCh38, 1-based): chr2:178,586,783, A>G on the plus strand (T>C on the coding strand, the complement: TTN is on the minus strand). VCF-style: chr2-178586783-A-G. GRCh37 (hg19) VCF-style: chr2-179451510-A-G.
Other names: p.Leu19732Ser; c.59195T>C, p.Leu19732Ser (NM_001256850.1); c.36923T>C, p.Leu12308Ser (NM_003319.4); c.56414T>C, p.Leu18805Ser (NM_133378.4); c.37298T>C, p.Leu12433Ser (NM_133432.3); c.37499T>C, p.Leu12500Ser (NM_133437.4); short protein forms L12308S, L12433S, L12500S, L18805S, L19732S, L21373S.
Identifiers: ClinVar variation 2682771 (VCV002682771.1), dbSNP rs1435172600, ClinGen allele CA349443781.
Genomic context (GRCh38, chr2:178,586,783, plus strand): 5'-TCACGTAGGGGAGGTAACCAGGCTAAGGTGGCACTGTTCTTGGTCATTTCAGTCACTTCT[A>G]ATTTCCTTGGGGGATCCGGCTCACCTAGAAGAAAAACATAATTTAGAAGATTACCTAGGT-3'
Protein context (NP_001254479.2, residues 21363-21383): PLSEPDPPRK[Leu21373Ser]EVTEMTKNSA